The following is an entry in ClinVar:

NM_021098.3(CACNA1H):c.5137ATC[1] (p.Ile1714del)

Gene: CACNA1H (calcium voltage-gated channel subunit alpha1 H; plus strand). Cytogenetic location: 16p13.3.
Variant type: Microsatellite.
Coding change: c.5137ATC[1] on transcript NM_021098.3 (MANE Select); one copy of the 3-base unit ATC starting at c.5137; the reference has two copies in a row; one copy, 3 bases deleted.
Protein change: p.Ile1714del; deletes isoleucine 1714.
Genome position (GRCh38, 1-based): chr16:1,215,342-1,215,344, ATC deleted; deleting any 3 consecutive bases within chr16:1,215,338-1,215,344 gives the same sequence; the position shown is the placement nearest the transcript's 3' end. VCF-style (leftmost placement, unchanged base first): chr16-1215337-CCAT-C. GRCh37 (hg19) VCF-style: chr16-1265337-CCAT-C.
Other names: c.5119ATC[1], p.Ile1708del (NM_001005407.2); short protein forms I1708del, I1714del.
Identifiers: ClinVar variation 4792410 (VCV004792410.1).

ClinVar aggregate classification (germline): Uncertain significance (1 of 4 stars; one submission).

Conditions:
Idiopathic generalized epilepsy. Also called: EIG; Generalised epilepsy. Identifiers: MedGen C0270850, MONDO:0005579, OMIM 600669.
Hyperaldosteronism, familial, type IV (HALD4). Also called: FH IV; ALDOSTERONISM, PRIMARY, AND HYPERTENSION. Identifiers: Orphanet 642671, MedGen C4310756, MONDO:0014875, OMIM 617027.

Submission:

Labcorp Genetics (formerly Invitae), Labcorp
Classification: Uncertain significance for Idiopathic generalized epilepsy; Hyperaldosteronism, familial, type IV. Last evaluated: 2025-03-10. Review status: criteria provided, single submitter. Criteria: Invitae Variant Classification Sherloc (09022015). Collection method: clinical testing. Allele origin: germline.
Comment: This variant, c.5140_5142del, results in the deletion of 1 amino acid(s) of the CACNA1H protein (p.Ile1714del), but otherwise preserves the integrity of the reading frame. This variant is not present in population databases (gnomAD no frequency). This variant has not been reported in the literature in individuals affected with CACNA1H-related conditions. Experimental studies and prediction algorithms are not available or were not evaluated, and the functional significance of this variant is currently unknown. In summary, the available evidence is currently insufficient to determine the role of this variant in disease. Therefore, it has been classified as a Variant of Uncertain Significance.